The following is an entry in ClinVar:

ClinVar aggregate classification (germline): Uncertain significance. Review status: criteria provided, multiple submitters, no conflicts (2 of 4 stars). 2 submissions from 2 submitters: Uncertain significance (2). Last evaluated 2024-12-04.

Conditions:
Congenital muscular dystrophy due to integrin alpha-7 deficiency. Also called: MYOPATHY, CONGENITAL, DUE TO INTEGRIN ALPHA-7 DEFICIENCY; Congenital muscular dystrophy with integrin alpha-7 deficiency; Muscular dystrophy, congenital, due to ITGA7 deficiency. Identifiers: Orphanet 34520, MedGen C2750786, MONDO:0013177, OMIM 613204.

Allele frequency attached by ClinVar (database versions not stated): TOPMed below 0.00001; gnomAD 0.00001 and 0.00003; gnomAD exomes 0.00002 and 0.00005; ExAC 0.00005.

Submissions (2):

Labcorp Genetics (formerly Invitae), Labcorp
Classification: Uncertain significance for Congenital muscular dystrophy due to integrin alpha-7 deficiency. Last evaluated: 2024-12-04. Review status: criteria provided, single submitter. Criteria: Invitae Variant Classification Sherloc (09022015). Collection method: clinical testing. Allele origin: germline.
Comment: This sequence change replaces arginine, which is basic and polar, with cysteine, which is neutral and slightly polar, at codon 800 of the ITGA7 protein (p.Arg800Cys). This variant is present in population databases (rs3858538, gnomAD 0.04%). This variant has not been reported in the literature in individuals affected with ITGA7-related conditions. ClinVar contains an entry for this variant (Variation ID: 1304405). Invitae Evidence Modeling of protein sequence and biophysical properties (such as structural, functional, and spatial information, amino acid conservation, physicochemical variation, residue mobility, and thermodynamic stability) indicates that this missense variant is expected to disrupt ITGA7 protein function with a positive predictive value of 80%. In summary, the available evidence is currently insufficient to determine the role of this variant in disease. Therefore, it has been classified as a Variant of Uncertain Significance.

GeneDx
Classification: Uncertain significance. Last evaluated: 2018-12-13. Review status: criteria provided, single submitter. Criteria: GeneDx Variant Classification Process June 2021. Collection method: clinical testing. Allele origin: germline. Affected: yes.
Comment: In silico analysis, which includes protein predictors and evolutionary conservation, supports a deleterious effect; Has not been previously published as pathogenic or benign to our knowledge

NM_002206.3(ITGA7):c.2398C>T (p.Arg800Cys)

Genes: ITGA7 (integrin subunit alpha 7; minus strand), LOC126861535 (CDK7 strongly-dependent group 2 enhancer GRCh37_chr12:56087579-56088778; plus strand). Cytogenetic location: 12q13.2.
Variant type: single nucleotide variant.
Coding change: c.2398C>T on transcript NM_002206.3 (MANE Select); coding-DNA position 2398, C replaced by T.
Protein change: p.Arg800Cys; replaces arginine 800 with cysteine.
Molecular consequence: missense variant.
Genome position (GRCh38, 1-based): chr12:55,694,290, G>A on the plus strand (C>T on the coding strand, the complement: ITGA7 is on the minus strand). VCF-style: chr12-55694290-G-A. GRCh37 (hg19) VCF-style: chr12-56088074-G-A.
Other names: c.2410C>T, p.Arg804Cys (NM_001144996.2); c.2119C>T, p.Arg707Cys (NM_001144997.2); c.2071C>T, p.Arg691Cys (NM_001367993.1); c.1054C>T, p.Arg352Cys (NM_001367994.1); c.2380C>T, p.Arg794Cys (NM_001374465.1); c.2530C>T, p.Arg844Cys (NM_001410977.1); c.2392C>T, p.Arg798Cys (NM_001414029.1); c.2323C>T, p.Arg775Cys (NM_001414030.1); and 5 more; short protein forms R352C, R691C, R707C, R794C, R800C, R804C, R844C, R739C.
Identifiers: ClinVar variation 1304405 (VCV001304405.3), dbSNP rs3858538, ClinGen allele CA6615614.